The following is an entry in ClinVar:

NM_006904.7(PRKDC):c.1623+5C>T

Gene: PRKDC (protein kinase, DNA-activated, catalytic subunit; minus strand). Cytogenetic location: 8q11.21.
Variant type: single nucleotide variant.
Coding change: c.1623+5C>T on transcript NM_006904.7 (MANE Select); 5 bases into the intron after coding-DNA position 1623, C replaced by T.
Molecular consequence: intron variant.
Genome position (GRCh38, 1-based): chr8:47,933,960, G>A on the plus strand (C>T on the coding strand, the complement: PRKDC is on the minus strand). VCF-style: chr8-47933960-G-A. GRCh37 (hg19) VCF-style: chr8-48846520-G-A.
Other names: c.1623+5C>T (NM_001081640.2).
Identifiers: ClinVar variation 2196985 (VCV002196985.1), dbSNP rs767313120, ClinGen allele CA4741685.

ClinVar aggregate classification (germline): Uncertain significance (1 of 4 stars; one submission).

Conditions:
Severe combined immunodeficiency due to DNA-PKcs deficiency. Also called: IMMUNODEFICIENCY 26 WITH NEUROLOGIC ABNORMALITIES; Immunodeficiency 26 with or without neurologic abnormalities. Identifiers: Orphanet 317425, MedGen C4014833, MONDO:0014423, OMIM 615966.

Allele frequency attached by ClinVar (database versions not stated): gnomAD exomes below 0.00001; ExAC 0.00001; gnomAD 0.00002; TOPMed 0.00003.
gnomAD v4.1: 9 of 1,607,378 alleles (0.00056%); highest among the groups gnomAD compares: African/African-American, 0.0027%; no homozygotes.

Submission:

Labcorp Genetics (formerly Invitae), Labcorp
Classification: Uncertain significance for Severe combined immunodeficiency due to DNA-PKcs deficiency. Last evaluated: 2022-08-03. Review status: criteria provided, single submitter. Criteria: Invitae Variant Classification Sherloc (09022015). Collection method: clinical testing. Allele origin: germline.
Comment: This sequence change falls in intron 15 of the PRKDC gene. It does not directly change the encoded amino acid sequence of the PRKDC protein. It affects a nucleotide within the consensus splice site. This variant is present in population databases (rs767313120, gnomAD 0.006%). This variant has not been reported in the literature in individuals affected with PRKDC-related conditions. Variants that disrupt the consensus splice site are a relatively common cause of aberrant splicing (PMID: 17576681, 9536098). Experimental studies and prediction algorithms are not available or were not evaluated, and the effect of this variant on mRNA splicing is currently unknown. In summary, the available evidence is currently insufficient to determine the role of this variant in disease. Therefore, it has been classified as a Variant of Uncertain Significance.

Literature cited by the submitters: PubMed 17576681; PubMed 9536098.